The following is an entry in ClinVar:

ClinVar aggregate classification (germline): Uncertain significance. Review status: criteria provided, multiple submitters, no conflicts (2 of 4 stars). 7 submissions from 7 submitters: Uncertain significance (7). Last evaluated 2026-10-01.

Conditions:
Proteinuria, chronic benign. Identifiers: MedGen C5394384, MONDO:0030042, OMIM 618884.
Imerslund-Grasbeck syndrome type 1 (IGS1). Also called: Megaloblastic anemia 1, Finnish type; Imerslund-Gräsbeck syndrome 1; MEGALOBLASTIC ANEMIA, 1. Identifiers: MedGen C4016819, MONDO:0100156, OMIM 261100.
Inborn genetic diseases. Identifiers: MedGen C0950123, MeSH D030342.
Imerslund-Grasbeck syndrome. Also called: ENTEROCYTE COBALAMIN MALABSORPTION; ENTEROCYTE INTRINSIC FACTOR RECEPTOR, DEFECT OF; PERNICIOUS ANEMIA, JUVENILE, DUE TO SELECTIVE INTESTINAL MALABSORPTION OF VITAMIN B12, WITH PROTEINURIA; Imerslund-Gräsbeck syndrome; Megaloblastic anemia due to inborn errors of metabolism. Identifiers: Orphanet 35858, MedGen C4551825, MONDO:0009853.

Allele frequency attached by ClinVar (database versions not stated): TOPMed 0.00039; gnomAD 0.00028 and 0.00031; ExAC 0.00008; ESP Exome Variant Server 0.00038.
gnomAD v4.1: 105 of 1,613,394 alleles (0.0065%); highest among the groups gnomAD compares: African/African-American, 0.12%; no homozygotes.

Submissions (7):

St. Jude Molecular Pathology, St. Jude Children's Research Hospital
Classification: Uncertain significance for Imerslund-Grasbeck syndrome type 1. Last evaluated: 2026-10-01. Review status: criteria provided, single submitter. Criteria: St. Jude Assertion Criteria 2020. Collection method: clinical testing. Allele origin: germline.
Comment: The CUBN c.3116A>G p.(Tyr1039Cys) missense change has a maximum subpopulation frequency of 0.09% in gnomAD v2.1.1. The in sili co tool REVEL is inconclusive about a pathogenic or benign effect of this variant on protein function, and to our knowledge functional studies have not been performed. To our knowledge, this variant has not been reported in individuals with Imerslund-Gra sbeck syndrome. In summary, the evidence currently available is insufficient to determine the clinical significance of this variant. It has therefore been classified as of uncertain significance.

Ambry Genetics
Classification: Uncertain significance for Inborn genetic diseases. Last evaluated: 2025-05-25. Review status: criteria provided, single submitter. Criteria: Ambry Variant Classification Scheme 2023. Collection method: clinical testing. Allele origin: germline.

Mayo Clinic Laboratories, Mayo Clinic
Classification: Uncertain significance. Last evaluated: 2024-04-23. Review status: criteria provided, single submitter. Criteria: ACMG Guidelines, 2015. Collection method: clinical testing. Allele origin: germline. Observed: 2 variant alleles.

Fulgent Genetics
Classification: Uncertain significance for Imerslund-Grasbeck syndrome type 1; Proteinuria, chronic benign. Last evaluated: 2024-01-11. Review status: criteria provided, single submitter. Criteria: ACMG Guidelines, 2015. Collection method: clinical testing. Allele origin: germline.

Labcorp Genetics (formerly Invitae), Labcorp
Classification: Uncertain significance for Imerslund-Grasbeck syndrome. Last evaluated: 2023-07-14. Review status: criteria provided, single submitter. Criteria: Invitae Variant Classification Sherloc (09022015). Collection method: clinical testing. Allele origin: germline.
Comment: This sequence change replaces tyrosine, which is neutral and polar, with cysteine, which is neutral and slightly polar, at codon 1039 of the CUBN protein (p.Tyr1039Cys). This variant is present in population databases (rs150014503, gnomAD 0.1%). This variant has not been reported in the literature in individuals affected with CUBN-related conditions. ClinVar contains an entry for this variant (Variation ID: 299494). Advanced modeling of protein sequence and biophysical properties (such as structural, functional, and spatial information, amino acid conservation, physicochemical variation, residue mobility, and thermodynamic stability) performed at Invitae indicates that this missense variant is expected to disrupt CUBN protein function. In summary, the available evidence is currently insufficient to determine the role of this variant in disease. Therefore, it has been classified as a Variant of Uncertain Significance.

Department of Pathology and Laboratory Medicine, Sinai Health System
Classification: Uncertain significance for Imerslund-Grasbeck syndrome type 1. Last evaluated: 2023-04-18. Review status: criteria provided, single submitter. Criteria: ACMG Guidelines, 2015. Collection method: research. Allele origin: germline.

Illumina Laboratory Services, Illumina
Classification: Uncertain significance for Imerslund-Grasbeck syndrome type 1. Last evaluated: 2018-01-12. Review status: criteria provided, single submitter. Criteria: ICSL Variant Classification Criteria 13 December 2019. Collection method: clinical testing. Allele origin: germline.

NM_001081.4(CUBN):c.3116A>G (p.Tyr1039Cys)

Gene: CUBN (cubilin; minus strand). Cytogenetic location: 10p13.
Variant type: single nucleotide variant.
Coding change: c.3116A>G on transcript NM_001081.4 (MANE Select); coding-DNA position 3116, A replaced by G.
Protein change: p.Tyr1039Cys; replaces tyrosine 1039 with cysteine.
Molecular consequence: missense variant.
Genome position (GRCh38, 1-based): chr10:17,065,531, T>C on the plus strand (A>G on the coding strand, the complement: CUBN is on the minus strand). VCF-style: chr10-17065531-T-C. GRCh37 (hg19) VCF-style: chr10-17107530-T-C.
Other names: p.Tyr1039Cys; short protein forms Y1039C.
Identifiers: ClinVar variation 299494 (VCV000299494.18), dbSNP rs150014503, ClinGen allele CA5424761.